The following is an entry in ClinVar:

ClinVar aggregate classification (germline): Uncertain significance. Review status: criteria provided, multiple submitters, no conflicts (2 of 4 stars). 2 submissions from 2 submitters: Uncertain significance (2). Last evaluated 2025-03-14.

Conditions:
Long QT syndrome (LQTS). Identifiers: MedGen C0023976, MeSH D008133, MONDO:0002442. Disease mechanism: loss of function. Inheritance: Various modes of inheritance.
Cardiac arrhythmia. Also called: Arrhythmia; Cardiac rhythm disease. Identifiers: MedGen C0003811, MONDO:0007263, HP:0011675.

gnomAD v4.1: 5 of 1,614,082 alleles (0.00031%); highest among the groups gnomAD compares: Non-Finnish European, 0.00042%; no homozygotes.

Submissions (2):

Labcorp Genetics (formerly Invitae), Labcorp
Classification: Uncertain significance for Long QT syndrome. Last evaluated: 2025-03-14. Review status: criteria provided, single submitter. Criteria: Invitae Variant Classification Sherloc (09022015). Collection method: clinical testing. Allele origin: germline.
Comment: This sequence change replaces methionine, which is neutral and non-polar, with threonine, which is neutral and polar, at codon 502 of the KCNH2 protein (p.Met502Thr). This variant is not present in population databases (gnomAD no frequency). This variant has not been reported in the literature in individuals affected with KCNH2-related conditions. An algorithm developed to predict the effect of missense changes on protein structure and function (PolyPhen-2) suggests that this variant is likely to be disruptive. In summary, the available evidence is currently insufficient to determine the role of this variant in disease. Therefore, it has been classified as a Variant of Uncertain Significance.

Color Diagnostics, LLC DBA Color Health
Classification: Uncertain significance for Cardiac arrhythmia. Last evaluated: 2024-02-20. Review status: criteria provided, single submitter. Criteria: ACMG Guidelines, 2015. Collection method: clinical testing. Allele origin: germline.
Comment: This missense variant replaces methionine with threonine at codon 502 of the KCNH2 protein. Computational prediction suggests that this variant may have deleterious impact on protein structure and function. To our knowledge, functional studies have not been reported for this variant. This variant has not been reported in individuals affected with KCNH2-related disorders in the literature. This variant has not been identified in the general population by the Genome Aggregation Database (gnomAD). The available evidence is insufficient to determine the role of this variant in disease conclusively. Therefore, this variant is classified as a Variant of Uncertain Significance.

NM_000238.4(KCNH2):c.1505T>C (p.Met502Thr)

Gene: KCNH2 (potassium voltage-gated channel subfamily H member 2; minus strand). Cytogenetic location: 7q36.1.
Variant type: single nucleotide variant.
Coding change: c.1505T>C on transcript NM_000238.4 (MANE Select); coding-DNA position 1505, T replaced by C.
Protein change: p.Met502Thr; replaces methionine 502 with threonine.
Molecular consequence: missense variant. On other transcripts: non-coding transcript variant (2).
Genome position (GRCh38, 1-based): chr7:150,952,477, A>G on the plus strand (T>C on the coding strand, the complement: KCNH2 is on the minus strand). VCF-style: chr7-150952477-A-G. GRCh37 (hg19) VCF-style: chr7-150649565-A-G.
Other names: c.485T>C, p.Met162Thr (NM_001204798.2, NM_172057.3); c.1217T>C, p.Met406Thr (NM_001406753.1, NM_001406756.1); c.1328T>C, p.Met443Thr (NM_001406755.1); c.1205T>C, p.Met402Thr (NM_001406757.1); c.1505T>C, p.Met502Thr (NM_172056.3); short protein forms M406T, M443T, M502T, M162T, M402T.
Identifiers: ClinVar variation 4717210 (VCV004717210.1).